The following is an entry in ClinVar:

ClinVar aggregate classification (germline): Uncertain significance. Review status: criteria provided, multiple submitters, no conflicts (2 of 4 stars). 5 submissions from 4 submitters: Uncertain significance (5). Last evaluated 2025-10-09.

Conditions:
Cone-rod dystrophy 10 (CORD10). Identifiers: Orphanet 1872, MedGen C1846529, MONDO:0012464, OMIM 610283.
Retinitis pigmentosa 35 (RP35). Identifiers: Orphanet 791, MedGen C1853214, MONDO:0012463, OMIM 610282.

Allele frequency attached by ClinVar (database versions not stated): ExAC 0.00002; gnomAD 0.00003 and 0.00004; gnomAD exomes 0.00003 and 0.00004; TOPMed 0.00005; ESP Exome Variant Server 0.00008.
gnomAD v4.1: 62 of 1,613,922 alleles (0.0038%); highest among the groups gnomAD compares: Middle Eastern, 0.017%; no homozygotes.

Submissions (5):

Labcorp Genetics (formerly Invitae), Labcorp
Classification: Uncertain significance. Last evaluated: 2025-10-09. Review status: criteria provided, single submitter. Criteria: Invitae Variant Classification Sherloc (09022015). Collection method: clinical testing. Allele origin: germline.
Comment: This sequence change replaces proline, which is neutral and non-polar, with leucine, which is neutral and non-polar, at codon 315 of the SEMA4A protein (p.Pro315Leu). This variant is present in population databases (rs147148406, gnomAD 0.006%). This variant has not been reported in the literature in individuals affected with SEMA4A-related conditions. ClinVar contains an entry for this variant (Variation ID: 444182). Invitae Evidence Modeling of protein sequence and biophysical properties (such as structural, functional, and spatial information, amino acid conservation, physicochemical variation, residue mobility, and thermodynamic stability) indicates that this missense variant is not expected to disrupt SEMA4A protein function with a negative predictive value of 80%. In summary, the available evidence is currently insufficient to determine the role of this variant in disease. Therefore, it has been classified as a Variant of Uncertain Significance.

Blueprint Genetics
Classification: Uncertain significance. Last evaluated: 2024-08-13. Review status: criteria provided, single submitter. Criteria: ACMG Guidelines, 2015. Collection method: clinical testing. Allele origin: germline.

Genome-Nilou Lab
Classification: Uncertain significance for Cone-rod dystrophy 10. Last evaluated: 2023-04-11. Review status: criteria provided, single submitter. Criteria: ACMG Guidelines, 2015. Collection method: clinical testing. Allele origin: germline. Affected: no.

Genome-Nilou Lab
Classification: Uncertain significance for Retinitis pigmentosa 35. Last evaluated: 2023-04-11. Review status: criteria provided, single submitter. Criteria: ACMG Guidelines, 2015. Collection method: clinical testing. Allele origin: germline. Affected: no.

CeGaT Center for Human Genetics Tuebingen
Classification: Uncertain significance. Last evaluated: 2017-07-01. Review status: criteria provided, single submitter. Criteria: CeGaT Center For Human Genetics Tuebingen Variant Classification Criteria Version 2. Collection method: clinical testing. Allele origin: germline. Affected: yes. Observed: 1 variant allele.

NM_022367.4(SEMA4A):c.944C>T (p.Pro315Leu)

Gene: SEMA4A (semaphorin 4A; plus strand). Cytogenetic location: 1q22.
Variant type: single nucleotide variant.
Coding change: c.944C>T on transcript NM_022367.4 (MANE Select); coding-DNA position 944, C replaced by T.
Protein change: p.Pro315Leu; replaces proline 315 with leucine.
Molecular consequence: missense variant.
Genome position (GRCh38, 1-based): chr1:156,161,479, C>T. VCF-style: chr1-156161479-C-T. GRCh37 (hg19) VCF-style: chr1-156131270-C-T.
Other names: c.944C>T, p.Pro315Leu (NM_001193300.2, NM_001193301.2, NM_001370567.1); c.548C>T, p.Pro183Leu (NM_001193302.2); c.647C>T, p.Pro216Leu (NM_001370568.1); c.437C>T, p.Pro146Leu (NM_001370569.1, NM_001370571.1); short protein forms P315L, P183L, P146L, P216L.
Identifiers: ClinVar variation 444182 (VCV000444182.52), dbSNP rs147148406, ClinGen allele CA1155221.